The following is an entry in ClinVar:

ClinVar aggregate classification (germline): Likely pathogenic (1 of 4 stars; one submission).

Conditions:
Glycogen storage disease due to muscle and heart glycogen synthase deficiency. Also called: GSD 0b; MUSCLE GLYCOGEN SYNTHASE DEFICIENCY. Identifiers: Orphanet 137625, MedGen C1969054, MONDO:0012693, OMIM 611556.

Allele frequency attached by ClinVar (database versions not stated): gnomAD exomes below 0.00001.
gnomAD v4.1: 2 of 1,613,624 alleles (0.00012%); highest among the groups gnomAD compares: Non-Finnish European, 0.00017%; no homozygotes.

Submission:

Labcorp Genetics (formerly Invitae), Labcorp
Classification: Likely pathogenic for Glycogen storage disease due to muscle and heart glycogen synthase deficiency. Last evaluated: 2023-03-20. Review status: criteria provided, single submitter. Criteria: Invitae Variant Classification Sherloc (09022015). Collection method: clinical testing. Allele origin: germline.
Comment: This sequence change affects a donor splice site in intron 9 of the GYS1 gene. It is expected to disrupt RNA splicing. Variants that disrupt the donor or acceptor splice site typically lead to a loss of protein function (PMID: 16199547), and loss-of-function variants in GYS1 are known to be pathogenic (PMID: 17928598, 19699667). This variant is not present in population databases (gnomAD no frequency). This variant has not been reported in the literature in individuals affected with GYS1-related conditions. ClinVar contains an entry for this variant (Variation ID: 855545). Algorithms developed to predict the effect of sequence changes on RNA splicing suggest that this variant may disrupt the consensus splice site. In summary, the currently available evidence indicates that the variant is pathogenic, but additional data are needed to prove that conclusively. Therefore, this variant has been classified as Likely Pathogenic.

Literature cited by the submitters: PubMed 16199547; PubMed 17928598; PubMed 19699667.

NM_002103.5(GYS1):c.1229+1G>A

Gene: GYS1 (glycogen synthase 1; minus strand). Cytogenetic location: 19q13.33.
Variant type: single nucleotide variant.
Coding change: c.1229+1G>A on transcript NM_002103.5 (MANE Select); the canonical splice donor site of the intron after coding-DNA position 1229, G replaced by A.
Molecular consequence: splice donor variant.
Genome position (GRCh38, 1-based): chr19:48,978,097, C>T on the plus strand (G>A on the coding strand, the complement: GYS1 is on the minus strand). VCF-style: chr19-48978097-C-T. GRCh37 (hg19) VCF-style: chr19-49481354-C-T.
Other names: c.1037+1G>A (NM_001161587.2).
Identifiers: ClinVar variation 855545 (VCV000855545.8), dbSNP rs111911126, ClinGen allele CA406762234.